The following is an entry in ClinVar:

ClinVar aggregate classification (germline): Uncertain significance (1 of 4 stars; one submission).

Conditions:
Hereditary cancer-predisposing syndrome. Also called: Neoplastic Syndromes, Hereditary; Tumor predisposition; Hereditary Cancer Syndrome; Hereditary neoplastic syndrome. Identifiers: Orphanet 140162, MedGen C0027672, MeSH D009386, MONDO:0015356.

Submission:

Ambry Genetics
Classification: Uncertain significance for Hereditary cancer-predisposing syndrome. Last evaluated: 2023-05-17. Review status: criteria provided, single submitter. Criteria: Ambry Variant Classification Scheme 2023. Collection method: clinical testing. Allele origin: germline.
Comment: The p.K63Q variant (also known as c.187A>C), located in coding exon 2 of the BRCA2 gene, results from an A to C substitution at nucleotide position 187. The lysine at codon 63 is replaced by glutamine, an amino acid with similar properties. This amino acid position is highly conserved in available vertebrate species. In addition, this alteration is predicted to be tolerated by in silico analysis. Since supporting evidence is limited at this time, the clinical significance of this alteration remains unclear.

Literature cited by the submitters: PubMed 33646313.

NM_000059.4(BRCA2):c.187A>C (p.Lys63Gln)

Gene: BRCA2 (BRCA2 DNA repair associated; plus strand). Cytogenetic location: 13q13.1.
Variant type: single nucleotide variant.
Coding change: c.187A>C on transcript NM_000059.4 (MANE Select); coding-DNA position 187, A replaced by C.
Protein change: p.Lys63Gln; replaces lysine 63 with glutamine.
Molecular consequence: missense variant.
Genome position (GRCh38, 1-based): chr13:32,319,196, A>C. VCF-style: chr13-32319196-A-C. GRCh37 (hg19) VCF-style: chr13-32893333-A-C.
Other names: short protein forms K63Q.
Identifiers: ClinVar variation 820231 (VCV000820231.5), dbSNP rs1593882594, ClinGen allele CA387754358.